The following is an entry in ClinVar:

ClinVar aggregate classification (germline): Conflicting classifications of pathogenicity. Review status: criteria provided, conflicting classifications (1 of 4 stars). 5 submissions from 5 submitters: Uncertain significance (4); Likely benign (1). Last evaluated 2025-12-03.

Conditions:
Emery-Dreifuss muscular dystrophy 5, autosomal dominant (EDMD5). Also called: EMERY-DREIFUSS MUSCULAR DYSTROPHY 5. Identifiers: Orphanet 261, MedGen C2751805, MONDO:0013072, OMIM 612999.

Allele frequency attached by ClinVar (database versions not stated): ExAC 0.00001; gnomAD exomes 0.00003; TOPMed 0.00005; ESP Exome Variant Server 0.00008; gnomAD 0.00008.
gnomAD v4.1: 216 of 1,614,060 alleles (0.013%); highest among the groups gnomAD compares: Non-Finnish European, 0.017%; no homozygotes.

Submissions (5):

Labcorp Genetics (formerly Invitae), Labcorp
Classification: Uncertain significance for Emery-Dreifuss muscular dystrophy 5, autosomal dominant. Last evaluated: 2025-12-03. Review status: criteria provided, single submitter. Criteria: Invitae Variant Classification Sherloc (09022015). Collection method: clinical testing. Allele origin: germline.
Comment: This sequence change falls in intron 92 of the SYNE2 gene. It does not directly change the encoded amino acid sequence of the SYNE2 protein. It affects a nucleotide within the consensus splice site. This variant is present in population databases (rs369093036, gnomAD 0.008%). This variant has not been reported in the literature in individuals affected with SYNE2-related conditions. ClinVar contains an entry for this variant (Variation ID: 862051). Variants that disrupt the consensus splice site are a relatively common cause of aberrant splicing (PMID: 17576681, 9536098). Algorithms developed to predict the effect of sequence changes on RNA splicing suggest that this variant is not likely to affect RNA splicing. In summary, the available evidence is currently insufficient to determine the role of this variant in disease. Therefore, it has been classified as a Variant of Uncertain Significance.

Women's Health and Genetics/Laboratory Corporation of America, LabCorp
Classification: Uncertain significance. Last evaluated: 2025-09-08. Review status: criteria provided, single submitter. Criteria: LabCorp Variant Classification Summary - May 2015. Collection method: clinical testing. Allele origin: germline.
Comment: Variant summary: SYNE2 c.16905+4A>C alters a nucleotide located close to a canonical splice site and therefore could affect mRNA splicing, leading to a significantly altered protein sequence. Consensus agreement among computation tools predict no significant impact on normal splicing. However, these predictions have yet to be confirmed by functional studies. The variant allele was found at a frequency of 3.2e-05 in 251038 control chromosomes (gnomAD). The available data on variant occurrences in the general population are insufficient to allow any conclusion about variant significance. To our knowledge, no occurrence of c.16905+4A>C in individuals affected with SYNE2-related conditions and no experimental evidence demonstrating its impact on protein function have been reported. ClinVar contains an entry for this variant (Variation ID: 862051). Based on the evidence outlined above, the variant was classified as uncertain significance.

CeGaT Center for Human Genetics Tuebingen
Classification: Likely benign. Last evaluated: 2023-11-01. Review status: criteria provided, single submitter. Criteria: CeGaT Center For Human Genetics Tuebingen Variant Classification Criteria Version 2. Collection method: clinical testing. Allele origin: germline. Affected: yes. Observed: 1 variant allele.
Comment: SYNE2: BP4

Baylor Genetics
Classification: Uncertain significance for Emery-Dreifuss muscular dystrophy 5, autosomal dominant. Last evaluated: 2019-05-05. Review status: criteria provided, single submitter. Criteria: ACMG Guidelines, 2015. Collection method: clinical testing. Allele origin: paternal. Affected: yes.
Comment: This variant was determined to be of uncertain significance according to ACMG Guidelines, 2015 [PMID:25741868].

Illumina Laboratory Services, Illumina
Classification: Uncertain significance for Emery-Dreifuss muscular dystrophy 5, autosomal dominant. Last evaluated: 2018-01-13. Review status: criteria provided, single submitter. Criteria: ICSL Variant Classification Criteria 13 December 2019. Collection method: clinical testing. Allele origin: germline.

Literature cited by the submitters: PubMed 17576681 (cited by Labcorp Genetics (formerly Invitae), Labcorp); PubMed 9536098 (cited by Labcorp Genetics (formerly Invitae), Labcorp).

NM_182914.3(SYNE2):c.16905+4A>C

Gene: SYNE2 (spectrin repeat containing nuclear envelope protein 2; plus strand). Cytogenetic location: 14q23.2.
Variant type: single nucleotide variant.
Coding change: c.16905+4A>C on transcript NM_182914.3 (MANE Select); 4 bases into the intron after coding-DNA position 16905, A replaced by C.
Molecular consequence: intron variant.
Genome position (GRCh38, 1-based): chr14:64,167,643, A>C. VCF-style: chr14-64167643-A-C. GRCh37 (hg19) VCF-style: chr14-64634361-A-C.
Other names: c.16905+4A>C (NM_015180.6).
Identifiers: ClinVar variation 862051 (VCV000862051.35), dbSNP rs369093036, ClinGen allele CA7223525.
Genomic context (GRCh38, chr14:64,167,643, plus strand): 5'-AAAGTGGATGTGGCTAACAGCCTTCCTGAGCTCCTGGAGCAGCAGAAAACCTATAAGGTA[A>C]ACCTGTGTTCTCTGCCACCCTTGAACCGCTCATCTGGGGCAGGAGTCAGGGAAAGATAGC-3'